The following is an entry in ClinVar:

ClinVar aggregate classification (germline): Pathogenic (1 of 4 stars; one submission).

Conditions:
Hereditary cancer-predisposing syndrome. Also called: Neoplastic Syndromes, Hereditary; Tumor predisposition; Hereditary Cancer Syndrome; Hereditary neoplastic syndrome. Identifiers: Orphanet 140162, MedGen C0027672, MeSH D009386, MONDO:0015356.

Submission:

Ambry Genetics
Classification: Pathogenic for Hereditary cancer-predisposing syndrome. Last evaluated: 2026-05-19. Review status: criteria provided, single submitter. Criteria: Ambry Variant Classification Scheme 2023. Collection method: clinical testing. Allele origin: germline.
Comment: The c.1398_1401delACAA variant, located in coding exon 8 of the DICER1 gene, results from a deletion of 4 nucleotides at nucleotide positions 1398 to 1401, causing a translational frameshift with a predicted alternate stop codon (p.Q467Ifs*12). This variant was reported in individual(s) with features consistent with DICER1-related tumor predisposition (Ambry internal data). This variant is considered to be rare based on population cohorts in the Genome Aggregation Database (gnomAD). This alteration is expected to result in loss of function by premature protein truncation or nonsense-mediated mRNA decay. As such, this alteration is interpreted as a disease-causing mutation.

NM_177438.3(DICER1):c.1398_1401del (p.Gln467fs)

Gene: DICER1 (dicer 1, ribonuclease III; minus strand). Cytogenetic location: 14q32.13.
Variant type: Deletion.
Coding change: c.1398_1401del on transcript NM_177438.3 (MANE Select); coding-DNA positions 1398 to 1401, 4 bases deleted (ACAA; older notation c.1398_1401delACAA).
Protein change: p.Gln467fs; shifts the reading frame from glutamine 467.
Molecular consequence: frameshift variant. On other transcripts: non-coding transcript variant (6), 5 prime UTR variant (1).
Genome position (GRCh38, 1-based): chr14:95,117,730-95,117,733, TTGT deleted on the plus strand (ACAA on the coding strand, the reverse complement: DICER1 is on the minus strand); deleting any 4 consecutive bases within chr14:95,117,730-95,117,736 gives the same sequence; the c. name uses the placement nearest the transcript's 3' end. VCF-style (leftmost placement, unchanged base first): chr14-95117729-CTTGT-C. GRCh37 (hg19) VCF-style: chr14-95584066-CTTGT-C.
Other names: c.1398_1401del, p.Gln467fs (NM_001195573.1, NM_001271282.3, NM_001291628.2 and 12 more transcripts); c.1116_1119del, p.Gln373fs (NM_001395686.1); c.993_996del, p.Gln332fs (NM_001395687.1, NM_001395688.1, NM_001395689.1 and 3 more transcripts); c.1398_1401delACAA (NM_177438.2); c.831_834del, p.Gln278fs (NM_001395691.1); c.-171_-168del (NM_001395697.1); short protein forms Q278fs, Q332fs, Q373fs, Q467fs.
Identifiers: ClinVar variation 4869793 (VCV004869793.1).